The following is an entry in ClinVar:

NM_001903.5(CTNNA1):c.1713G>T (p.Lys571Asn)

Gene: CTNNA1 (catenin alpha 1; plus strand). Cytogenetic location: 5q31.2.
Variant type: single nucleotide variant.
Coding change: c.1713G>T on transcript NM_001903.5 (MANE Select); coding-DNA position 1713, G replaced by T.
Protein change: p.Lys571Asn; replaces lysine 571 with asparagine.
Molecular consequence: missense variant.
Genome position (GRCh38, 1-based): chr5:138,924,676, G>T. VCF-style: chr5-138924676-G-T. GRCh37 (hg19) VCF-style: chr5-138260365-G-T.
Other names: c.1713G>T, p.Lys571Asn (NM_001290307.3, NM_001323982.2, NM_001323983.1 and 2 more transcripts); c.1404G>T, p.Lys468Asn (NM_001290309.3); c.1344G>T, p.Lys448Asn (NM_001290310.3); c.603G>T, p.Lys201Asn (NM_001290312.1, NM_001323987.1, NM_001323988.1 and 17 more transcripts); c.1620G>T, p.Lys540Asn (NM_001323986.2); c.264G>T, p.Lys88Asn (NM_001324006.1, NM_001324007.1, NM_001324008.1 and 2 more transcripts); c.510G>T, p.Lys170Asn (NM_001324011.1); c.360G>T, p.Lys120Asn (NM_001324012.1, NM_001324013.1); short protein forms K120N, K201N, K448N, K468N, K88N, K170N, K540N, K571N.
Identifiers: ClinVar variation 1356278 (VCV001356278.8), dbSNP rs2150289698, ClinGen allele CA361132035.

ClinVar aggregate classification (germline): Uncertain significance (1 of 4 stars; one submission).

Submission:

Labcorp Genetics (formerly Invitae), Labcorp
Classification: Uncertain significance. Last evaluated: 2022-08-16. Review status: criteria provided, single submitter. Criteria: Invitae Variant Classification Sherloc (09022015). Collection method: clinical testing. Allele origin: germline.
Comment: In summary, the available evidence is currently insufficient to determine the role of this variant in disease. Therefore, it has been classified as a Variant of Uncertain Significance. ClinVar contains an entry for this variant (Variation ID: 1356278). This variant has not been reported in the literature in individuals affected with CTNNA1-related conditions. Algorithms developed to predict the effect of missense changes on protein structure and function are either unavailable or do not agree on the potential impact of this missense change (SIFT: "Deleterious"; PolyPhen-2: "Benign"; Align-GVGD: "Class C0"). This variant is not present in population databases (gnomAD no frequency). This sequence change replaces lysine, which is basic and polar, with asparagine, which is neutral and polar, at codon 571 of the CTNNA1 protein (p.Lys571Asn).